The following is an entry in ClinVar:

NC_000002.11:g.(?_109336063)_(109579739_?)dup

Genes: CCDC138 (coiled-coil domain containing 138; plus strand), EDAR (ectodysplasin A receptor; minus strand), RANBP2 (RAN binding protein 2; plus strand). Cytogenetic location: 2q12.3.
Variant type: Duplication.
Identifiers: ClinVar variation 1047235 (VCV001047235.1).

ClinVar aggregate classification (germline): Uncertain significance (1 of 4 stars; one submission).

Conditions:
Familial acute necrotizing encephalopathy (IIAE3). Also called: ENCEPHALOPATHY, ACUTE, INFECTION-INDUCED, SUSCEPTIBILITY TO, 3; Susceptibility to Acute Necrotizing Encephalopathy 1. Identifiers: Orphanet 88619, MedGen C2675556, MONDO:0011953, OMIM 608033.

Submission:

Labcorp Genetics (formerly Invitae), Labcorp
Classification: Uncertain significance for Familial acute necrotizing encephalopathy. Last evaluated: 2020-09-10. Review status: criteria provided, single submitter. Criteria: Invitae Variant Classification Sherloc (09022015). Collection method: clinical testing. Allele origin: germline.
Comment: This variant results in a copy number gain of the genomic region encompassing the full coding sequence of the RANBP2 gene. The boundaries of this event are unknown as they extend beyond the assayed region for this gene and therefore may encompass additional genes. As the precise location of this event is unknown, it may be in tandem or it may be located elsewhere in the genome. This variant has not been reported in the literature in individuals with RANBP2-related conditions. In summary, the available evidence is currently insufficient to determine the role of this variant in disease. Therefore, it has been classified as a Variant of Uncertain Significance.